The following is an entry in ClinVar:

NM_016030.6(TRAPPC12):c.1125C>A (p.Asp375Glu)

Gene: TRAPPC12 (trafficking protein particle complex subunit 12; plus strand). Cytogenetic location: 2p25.3.
Variant type: single nucleotide variant.
Coding change: c.1125C>A on transcript NM_016030.6 (MANE Select); coding-DNA position 1125, C replaced by A.
Protein change: p.Asp375Glu; replaces aspartic acid 375 with glutamic acid.
Molecular consequence: missense variant.
Genome position (GRCh38, 1-based): chr2:3,401,854, C>A. VCF-style: chr2-3401854-C-A. GRCh37 (hg19) VCF-style: chr2-3405625-C-A.
Other names: c.1125C>A, p.Asp375Glu (NM_001321102.2); short protein forms D375E.
Identifiers: ClinVar variation 1723573 (VCV001723573.6), dbSNP rs373282152, ClinGen allele CA1515303.

ClinVar aggregate classification (germline): Uncertain significance. Review status: criteria provided, multiple submitters, no conflicts (2 of 4 stars). 3 submissions from 3 submitters: Uncertain significance (3). Last evaluated 2026-08-06.

Conditions:
Early-onset progressive encephalopathy-hearing loss-pons hypoplasia-brain atrophy syndrome. Also called: ENCEPHALOPATHY, PROGRESSIVE, EARLY-ONSET, WITH BRAIN ATROPHY AND SPASTICITY. Identifiers: Orphanet 500144, MedGen C5567229, MONDO:0044696, OMIM 617669.
Inborn genetic diseases. Identifiers: MedGen C0950123, MeSH D030342.

Allele frequency attached by ClinVar (database versions not stated): ExAC 0.00007; ESP Exome Variant Server 0.00008.
gnomAD v4.1: 57 of 1,599,234 alleles (0.0036%); highest among the groups gnomAD compares: Admixed American, 0.016%; no homozygotes.

Submissions (3):

OLLIN Analises Genomicas, OLLIN
Classification: Uncertain significance for Early-onset progressive encephalopathy-hearing loss-pons hypoplasia-brain atrophy syndrome. Last evaluated: 2026-08-06. Review status: criteria provided, single submitter. Criteria: ACMG Guidelines 2015 PMID 25741868. Collection method: clinical testing. Allele origin: germline.
Comment: This missense variant, located in exon 3 (of 12), has been reported in ClinVar (accession VCV001723573.5) and in gnomAD with an allele frequency of 0.0036%. However, to our knowledge, it has not been reported in the scientific literature. In silico analysis predicts that this variant has a tolerated effect. According to the currently available evidence, this variant has been classified as uncertain significance (PM2_P, BP4_M).

Ambry Genetics
Classification: Uncertain significance for Inborn genetic diseases. Last evaluated: 2022-06-03. Review status: criteria provided, single submitter. Criteria: Ambry Variant Classification Scheme 2023. Collection method: clinical testing. Allele origin: germline.

GeneDx
Classification: Uncertain significance. Last evaluated: 2022-05-12. Review status: criteria provided, single submitter. Criteria: GeneDx Variant Classification Process June 2021. Collection method: clinical testing. Allele origin: germline. Affected: yes.
Comment: In silico analysis supports that this missense variant does not alter protein structure/function; Has not been previously published as pathogenic or benign to our knowledge